The following is an entry in ClinVar:

ClinVar aggregate classification (germline): Uncertain significance (1 of 4 stars; one submission).

Conditions:
Myofibrillar myopathy 5. Also called: FILAMINOPATHY, AUTOSOMAL DOMINANT; Filaminopathy (type). Identifiers: Orphanet 171445, MedGen C1836050, MONDO:0012289, OMIM 609524.
Hypertrophic cardiomyopathy 26. Also called: Cardiomyopathy, familial hypertrophic, 26. Identifiers: Orphanet 75249, MedGen C4310749, MONDO:0014883, OMIM 617047.
Distal myopathy with posterior leg and anterior hand involvement. Also called: WILLIAMS DISTAL MYOPATHY. Identifiers: Orphanet 63273, MedGen C3279722, MONDO:0013550, OMIM 614065.

Submission:

Labcorp Genetics (formerly Invitae), Labcorp
Classification: Uncertain significance for Distal myopathy with posterior leg and anterior hand involvement; Myofibrillar myopathy 5; Hypertrophic cardiomyopathy 26. Last evaluated: 2025-05-18. Review status: criteria provided, single submitter. Criteria: Invitae Variant Classification Sherloc (09022015). Collection method: clinical testing. Allele origin: germline.
Comment: This sequence change replaces serine, which is neutral and polar, with proline, which is neutral and non-polar, at codon 1900 of the FLNC protein (p.Ser1900Pro). This variant is not present in population databases (gnomAD no frequency). This variant has not been reported in the literature in individuals affected with FLNC-related conditions. ClinVar contains an entry for this variant (Variation ID: 2921847). Invitae Evidence Modeling of protein sequence and biophysical properties (such as structural, functional, and spatial information, amino acid conservation, physicochemical variation, residue mobility, and thermodynamic stability) has been performed for this missense variant. However, the output from this modeling did not meet the statistical confidence thresholds required to predict the impact of this variant on FLNC protein function. In summary, the available evidence is currently insufficient to determine the role of this variant in disease. Therefore, it has been classified as a Variant of Uncertain Significance.

NM_001458.5(FLNC):c.5698T>C (p.Ser1900Pro)

Genes: FLNC (filamin C; plus strand), FLNC-AS1 (FLNC antisense RNA 1; minus strand). Cytogenetic location: 7q32.1.
Variant type: single nucleotide variant.
Coding change: c.5698T>C on transcript NM_001458.5 (MANE Select); coding-DNA position 5698, T replaced by C.
Protein change: p.Ser1900Pro; replaces serine 1900 with proline.
Molecular consequence: missense variant. On other transcripts: non-coding transcript variant (1).
Genome position (GRCh38, 1-based): chr7:128,851,484, T>C. VCF-style: chr7-128851484-T-C. GRCh37 (hg19) VCF-style: chr7-128491538-T-C.
Other names: c.5599T>C, p.Ser1867Pro (NM_001127487.2); short protein forms S1867P, S1900P.
Identifiers: ClinVar variation 2921847 (VCV002921847.3), dbSNP rs2536656304, ClinGen allele CA369208048.
Genomic context (GRCh38, chr7:128,851,484, plus strand): 5'-CCTCTGATCTTGGCCACACCTCCACCTACAGGGGGTCTGTCACTGGCCGTGGAGGGCCCA[T>C]CCAAGGCAGAGATCACCTGTAAGGACAACAAGGATGGCACCTGCACCGTGTCCTATCTGC-3'
Protein context (NP_001449.3, residues 1890-1910): GGLSLAVEGP[Ser1900Pro]KAEITCKDNK